The following is an entry in ClinVar:

ClinVar aggregate classification (germline): Benign (1 of 4 stars; one submission).

Allele frequency attached by ClinVar (database versions not stated): ExAC 0.11242.

Submission:

Laboratory for Molecular Medicine, Mass General Brigham Personalized Medicine
Classification: Benign. Last evaluated: 2016-03-29. Review status: criteria provided, single submitter. Criteria: LMM Criteria. Collection method: clinical testing. Allele origin: germline.
Comment: Variant identified in a genome or exome case(s) and assessed due to predicted null impact of the variant or pathogenic assertions in the literature or databases. Disclaimer: This variant has not undergone full assessment. The following are preliminary notes: ExAC frequency

NM_018406.7(MUC4):c.9781_9782del (p.Asp3261fs)

Gene: MUC4 (mucin 4, cell surface associated). Cytogenetic location: 3q29.
Variant type: Deletion.
Coding change: c.9781_9782del on transcript NM_018406.7 (MANE Select); coding-DNA positions 9781 to 9782, 2 bases deleted.
Protein change: p.Asp3261fs; shifts the reading frame from aspartic acid 3261.
Molecular consequence: frameshift variant. On other transcripts: genic upstream transcript variant (2).
Genome position: GRCh38 VCF-style: chr3-195781797-GTC-G. GRCh37 (hg19) VCF-style: chr3-195508668-GTC-G.
Other names: c.14456_14457del, p.His4819fs (NM_001322468.1); c.83-7494_83-7493del (NM_138297.5); c.83-3344_83-3343del (NM_004532.6); short protein forms H4819fs, D3261fs.
Identifiers: ClinVar variation 403120 (VCV000403120.4), dbSNP rs757413270, ClinGen allele CA2770753.